The following is an entry in ClinVar:

ClinVar aggregate classification (germline): Uncertain significance (1 of 4 stars; one submission).

gnomAD v4.1: 4 of 1,611,700 alleles (0.00025%); highest among the groups gnomAD compares: Non-Finnish European, 0.00034%; no homozygotes.

Submission:

Labcorp Genetics (formerly Invitae), Labcorp
Classification: Uncertain significance. Last evaluated: 2022-07-30. Review status: criteria provided, single submitter. Criteria: Invitae Variant Classification Sherloc (09022015). Collection method: clinical testing. Allele origin: germline.
Comment: This variant has not been reported in the literature in individuals affected with CCDC8-related conditions. This variant is not present in population databases (gnomAD no frequency). This sequence change affects codon 42 of the CCDC8 mRNA. It is a 'silent' change, meaning that it does not change the encoded amino acid sequence of the CCDC8 protein. In summary, the available evidence is currently insufficient to determine the role of this variant in disease. Therefore, it has been classified as a Variant of Uncertain Significance.

NM_032040.5(CCDC8):c.126C>G (p.Thr42=)

Gene: CCDC8 (coiled-coil domain containing 8; minus strand). Cytogenetic location: 19q13.32.
Variant type: single nucleotide variant.
Coding change: c.126C>G on transcript NM_032040.5 (MANE Select); coding-DNA position 126, C replaced by G.
Protein change: p.Thr42=; no amino-acid change (threonine 42 retained).
Molecular consequence: synonymous variant.
Genome position (GRCh38, 1-based): chr19:46,412,685, G>C on the plus strand (C>G on the coding strand, the complement: CCDC8 is on the minus strand). VCF-style: chr19-46412685-G-C. GRCh37 (hg19) VCF-style: chr19-46915942-G-C.
Identifiers: ClinVar variation 1996701 (VCV001996701.2), dbSNP rs35517294, ClinGen allele CA309064615.